The following is an entry in ClinVar:

NM_001131016.2(CIZ1):c.93G>T (p.Gln31His)

Gene: CIZ1 (CDKN1A interacting zinc finger protein 1; minus strand). Cytogenetic location: 9q34.11.
Variant type: single nucleotide variant.
Coding change: c.93G>T on transcript NM_001131016.2 (MANE Select); coding-DNA position 93, G replaced by T.
Protein change: p.Gln31His; replaces glutamine 31 with histidine.
Molecular consequence: missense variant. On other transcripts: 5 prime UTR variant (1).
Genome position (GRCh38, 1-based): chr9:128,190,765, C>A on the plus strand (G>T on the coding strand, the complement: CIZ1 is on the minus strand). VCF-style: chr9-128190765-C-A. GRCh37 (hg19) VCF-style: chr9-130953044-C-A.
Other names: c.93G>T, p.Gln31His (NM_001131015.2, NM_001131017.2, NM_001131018.2 and 1 more transcripts); c.183G>T, p.Gln61His (NM_001257975.2); c.-95G>T (NM_001257976.2); short protein forms Q31H, Q61H.
Identifiers: ClinVar variation 2882204 (VCV002882204.3), dbSNP rs2538877936, ClinGen allele CA375003610.

ClinVar aggregate classification (germline): Uncertain significance (1 of 4 stars; one submission).

Conditions:
Dystonic disorder. Also called: Dystonia. Identifiers: MedGen C0013421, MONDO:0003441, HP:0001332.

Submission:

Labcorp Genetics (formerly Invitae), Labcorp
Classification: Uncertain significance for Dystonic disorder. Last evaluated: 2024-09-30. Review status: criteria provided, single submitter. Criteria: Invitae Variant Classification Sherloc (09022015). Collection method: clinical testing. Allele origin: germline.
Comment: This sequence change replaces glutamine, which is neutral and polar, with histidine, which is basic and polar, at codon 31 of the CIZ1 protein (p.Gln31His). This variant is not present in population databases (gnomAD no frequency). This variant has not been reported in the literature in individuals affected with CIZ1-related conditions. Experimental studies and prediction algorithms are not available or were not evaluated, and the functional significance of this variant is currently unknown. In summary, the available evidence is currently insufficient to determine the role of this variant in disease. Therefore, it has been classified as a Variant of Uncertain Significance.